The following is an entry in ClinVar:

NM_014009.4(FOXP3):c.1139C>T (p.Thr380Ile)

Gene: FOXP3 (forkhead box P3; minus strand). Cytogenetic location: Xp11.23.
Variant type: single nucleotide variant.
Coding change: c.1139C>T on transcript NM_014009.4 (MANE Select); coding-DNA position 1139, C replaced by T.
Protein change: p.Thr380Ile; replaces threonine 380 with isoleucine.
Molecular consequence: missense variant.
Genome position (GRCh38, 1-based): chrX:49,251,671, G>A on the plus strand (C>T on the coding strand, the complement: FOXP3 is on the minus strand). VCF-style: chrX-49251671-G-A. GRCh37 (hg19) VCF-style: chrX-49108132-G-A.
Other names: c.1034C>T, p.Thr345Ile (NM_001114377.2); short protein forms T345I, T380I.
Identifiers: ClinVar variation 4293059 (VCV004293059.1).
Genomic context (GRCh38, chrX:49,251,671, plus strand): 5'-GCTGCGATGGCACTTGAGGCCATCCCAGTCACCGCCACCTCAGAGGAGCTCACCTTCCAG[G>A]TGGCAGGATGGTTTCTGAAGAAGGCAAACATGCGTGTGAACCAGTGGTAGATCTCATTGA-3'
Protein context (NP_054728.2, residues 370-390): MFAFFRNHPA[Thr380Ile]WKNAIRHNLS

ClinVar aggregate classification (germline): Uncertain significance (1 of 4 stars; one submission).

Conditions:
Insulin-dependent diabetes mellitus secretory diarrhea syndrome (IPEX). Also called: IPEX and IPEX-Like; Immunodeficiency, Polyendocrinopathy, and Enteropathy X-Linked Syndrome; X-Linked Syndrome of Polyendocrinopathy, Immune Dysfunction, and Diarrhea; DIABETES MELLITUS, CONGENITAL INSULIN-DEPENDENT, WITH FATAL SECRETORY DIARRHEA; DIARRHEA, POLYENDOCRINOPATHY, FATAL INFECTION SYNDROME, X-LINKED; ENTEROPATHY, AUTOIMMUNE, WITH HEMOLYTIC ANEMIA AND POLYENDOCRINOPATHY. Identifiers: Orphanet 37042, MedGen C0342288, MONDO:0010580, OMIM 304790. Disease mechanism: loss of function.

Submission:

3billion
Classification: Uncertain significance for Insulin-dependent diabetes mellitus secretory diarrhea syndrome. Last evaluated: 2024-12-30. Review status: criteria provided, single submitter. Criteria: ACMG Guidelines, 2015. Collection method: clinical testing. Allele origin: germline. Affected: yes.
Comment: The variant is not observed in the gnomAD v4.1.0 dataset. Predicted Consequence/Location: Missense variant In silico tool predictions suggest damaging effect of the variant on gene or gene product [REVEL: 0.94 (>=0.6, sensitivity 0.68 and specificity 0.92); 3Cnet: 0.71 (>=0.6, sensitivity 0.72 and precision 0.9)]. The same nucleotide change resulting in the same amino acid change has been previously reported to be associated with FOXP3-related disorder (PMID: 18316354). However, the evidence of pathogenicity is insufficient at this time. Therefore, this variant is classified as VUS according to the recommendation of ACMG/AMP guideline.

Literature cited by the submitters: PubMed 18316354.